The following is an entry in ClinVar:

ClinVar aggregate classification (germline): Uncertain significance (1 of 4 stars; one submission).

Submission:

Women's Health and Genetics/Laboratory Corporation of America, LabCorp
Classification: Uncertain significance. Last evaluated: 2025-06-18. Review status: criteria provided, single submitter. Criteria: LabCorp Variant Classification Summary - May 2015. Collection method: clinical testing. Allele origin: germline.
Comment: Variant summary: The variant involves the duplication of exons 29-41 in the BRWD3 gene. A presumed nomenclature of c.(3263+1_3264-1)_(*7107_?)dup has been designated for the purposes of this classification. It is assumed to be a tandem duplication in direct orientation (PMIDs: 25640679, 30054569). The exact breakpoint at the 3' end of this variant is unknown, therefore this duplication may extend downstream of the annotated region of the gene. As it duplicates the termination codon, its effect on the encoded protein is unknown. The variant was absent in 95157 control chromosomes in the gnomAD database (Structural Variants v4.1 dataset). The available data on variant occurrences in the general population are insufficient to allow any conclusion about variant significance. To our knowledge, no occurrence of c.(3263+1_3264-1)_(*7107_?)dup in individuals affected with Intellectual Disability, X-Linked 93 and no experimental evidence demonstrating its impact on protein function have been reported. No submitters have cited clinical-significance assessments for this variant to ClinVar. Based on the evidence outlined above, the variant was classified as uncertain significance.

NC_000023.10:g.(?_79925001)_(79947650_79948438)dup

Gene: BRWD3 (bromodomain and WD repeat domain containing 3; minus strand). Cytogenetic location: Xq21.1.
Variant type: Duplication.
Identifiers: ClinVar variation 3907027 (VCV003907027.1).